The following is an entry in ClinVar:

NM_001036.6(RYR3):c.8843T>C (p.Leu2948Pro)

Gene: RYR3 (ryanodine receptor 3; plus strand). Cytogenetic location: 15q14.
Variant type: single nucleotide variant.
Coding change: c.8843T>C on transcript NM_001036.6 (MANE Select); coding-DNA position 8843, T replaced by C.
Protein change: p.Leu2948Pro; replaces leucine 2948 with proline.
Molecular consequence: missense variant.
Genome position (GRCh38, 1-based): chr15:33,771,946, T>C. VCF-style: chr15-33771946-T-C. GRCh37 (hg19) VCF-style: chr15-34064147-T-C.
Other names: c.8843T>C (NM_001036.3); c.8843T>C, p.Leu2948Pro (NM_001243996.4); short protein forms L2948P.
Identifiers: ClinVar variation 944997 (VCV000944997.11), dbSNP rs372756613, ClinGen allele CA7460356.

ClinVar aggregate classification (germline): Uncertain significance. Review status: criteria provided, multiple submitters, no conflicts (2 of 4 stars). 3 submissions from 3 submitters: Uncertain significance (3). Last evaluated 2025-12-28.

Conditions:
Epileptic encephalopathy. Identifiers: MedGen C0543888, HP:0200134.
RYR3-related disorder. Also called: RYR3-related condition.

Allele frequency attached by ClinVar (database versions not stated): TOPMed 0.00003; ESP Exome Variant Server 0.00008; gnomAD 0.00002; gnomAD exomes 0.00002; ExAC 0.00003.
gnomAD v4.1: 26 of 1,612,632 alleles (0.0016%); highest among the groups gnomAD compares: African/African-American, 0.0067%; no homozygotes.

Submissions (3):

PreventionGenetics, part of Exact Sciences
Classification: Uncertain significance for RYR3-related condition. Last evaluated: 2025-12-28. Review status: criteria provided, single submitter. Criteria: ACMG Guidelines, 2015. Collection method: clinical testing. Allele origin: germline.
Comment: The RYR3 c.8843T>C variant is predicted to result in the amino acid substitution p.Leu2948Pro. To our knowledge, this variant has not been reported in the literature. This variant is reported in 0.0066% of alleles in individuals of African descent in gnomAD. At this time, the clinical significance of this variant is uncertain due to the absence of conclusive functional and genetic evidence.

Ambry Genetics
Classification: Uncertain significance. Last evaluated: 2024-10-21. Review status: criteria provided, single submitter. Criteria: Ambry Variant Classification Scheme 2023. Collection method: clinical testing. Allele origin: germline.

Labcorp Genetics (formerly Invitae), Labcorp
Classification: Uncertain significance for Epileptic encephalopathy. Last evaluated: 2019-05-12. Review status: criteria provided, single submitter. Criteria: Invitae Variant Classification Sherloc (09022015). Collection method: clinical testing. Allele origin: germline.
Comment: This sequence change replaces leucine with proline at codon 2948 of the RYR3 protein (p.Leu2948Pro). The leucine residue is highly conserved and there is a moderate physicochemical difference between leucine and proline. This variant is present in population databases (rs372756613, ExAC 0.02%). This variant has not been reported in the literature in individuals with RYR3-related conditions. Algorithms developed to predict the effect of missense changes on protein structure and function are either unavailable or do not agree on the potential impact of this missense change (SIFT: "Deleterious"; PolyPhen-2: "Benign"; Align-GVGD: "Class C0"). In summary, the available evidence is currently insufficient to determine the role of this variant in disease. Therefore, it has been classified as a Variant of Uncertain Significance.